The following is an entry in ClinVar:

ClinVar aggregate classification (germline): Likely benign (1 of 4 stars; one submission).

Submission:

CeGaT Center for Human Genetics Tuebingen
Classification: Likely benign. Last evaluated: 2025-11-01. Review status: criteria provided, single submitter. Criteria: CeGaT Center For Human Genetics Tuebingen Variant Classification Criteria Version 2. Collection method: clinical testing. Allele origin: germline. Affected: yes. Observed: 1 variant allele.
Comment: CHEK2: PM2:Supporting, BP4, BP7

NM_007194.4(CHEK2):c.319+3922A>G

Gene: CHEK2 (checkpoint kinase 2; minus strand). Cytogenetic location: 22q12.1.
Variant type: single nucleotide variant.
Coding change: c.319+3922A>G on transcript NM_007194.4 (MANE Select); 3922 bases into the intron after coding-DNA position 319, A replaced by G.
Molecular consequence: intron variant. On other transcripts: synonymous variant (4).
Genome position (GRCh38, 1-based): chr22:28,730,481, T>C on the plus strand (A>G on the coding strand, the complement: CHEK2 is on the minus strand). VCF-style: chr22-28730481-T-C. GRCh37 (hg19) VCF-style: chr22-29126469-T-C.
Other names: c.387A>G, p.Ser129= (NM_001438293.1, NM_001438294.1, NM_001438295.1 and 1 more transcripts); c.-344-5114A>G (NM_001437942.1); c.319+3922A>G (NM_001349956.3, NM_145862.3); c.-459+3922A>G (NM_001257387.3).
Identifiers: ClinVar variation 4533716 (VCV004533716.6).